The following is an entry in ClinVar:

NM_001348716.2(KDM6B):c.952C>G (p.Pro318Ala)

Gene: KDM6B (lysine demethylase 6B; plus strand). Cytogenetic location: 17p13.1.
Variant type: single nucleotide variant.
Coding change: c.952C>G on transcript NM_001348716.2 (MANE Select); coding-DNA position 952, C replaced by G.
Protein change: p.Pro318Ala; replaces proline 318 with alanine.
Molecular consequence: missense variant.
Genome position (GRCh38, 1-based): chr17:7,847,147, C>G. VCF-style: chr17-7847147-C-G. GRCh37 (hg19) VCF-style: chr17-7750465-C-G.
Other names: c.952C>G, p.Pro318Ala (NM_001080424.2); short protein forms P318A.
Identifiers: ClinVar variation 4883473 (VCV004883473.2).

ClinVar aggregate classification (germline): Uncertain significance (1 of 4 stars; one submission).

Submission:

Dasa
Classification: Uncertain significance. Last evaluated: 2025-08-05. Review status: criteria provided, single submitter. Criteria: DASA Assertion Criteria. Collection method: clinical testing. Allele origin: germline.
Comment: NM_001348716.2(KDM6B):c.952C>G (p.Pro318Ala) is a missense variant that results in the substitution of proline with alanine. This variant is rare in population databases. Computational prediction algorithms are consistent with a benign effect. The currently available literature and clinical evidence are not sufficient to establish a definitive association between this variant and the reported condition. Therefore, this variant is classified as a variant of uncertain significance.